The following is an entry in ClinVar:

ClinVar aggregate classification (germline): Uncertain significance (1 of 4 stars; one submission).

gnomAD v4.1: 1 of 1,611,730 alleles (0.000062%); highest among the groups gnomAD compares: Non-Finnish European, 0.000085%; no homozygotes.

Submission:

Labcorp Genetics (formerly Invitae), Labcorp
Classification: Uncertain significance. Last evaluated: 2025-03-10. Review status: criteria provided, single submitter. Criteria: Invitae Variant Classification Sherloc (09022015). Collection method: clinical testing. Allele origin: germline.
Comment: This sequence change replaces glycine, which is neutral and non-polar, with valine, which is neutral and non-polar, at codon 438 of the PTDSS1 protein (p.Gly438Val). This variant is not present in population databases (gnomAD no frequency). This variant has not been reported in the literature in individuals affected with PTDSS1-related conditions. An algorithm developed to predict the effect of missense changes on protein structure and function (PolyPhen-2) suggests that this variant is likely to be disruptive. Algorithms developed to predict the effect of sequence changes on RNA splicing suggest that this variant may disrupt the consensus splice site. In summary, the available evidence is currently insufficient to determine the role of this variant in disease. Therefore, it has been classified as a Variant of Uncertain Significance.

NM_014754.3(PTDSS1):c.1313G>T (p.Gly438Val)

Gene: PTDSS1 (phosphatidylserine synthase 1; plus strand). Cytogenetic location: 8q22.1.
Variant type: single nucleotide variant.
Coding change: c.1313G>T on transcript NM_014754.3 (MANE Select); coding-DNA position 1313, G replaced by T.
Protein change: p.Gly438Val; replaces glycine 438 with valine.
Molecular consequence: missense variant.
Genome position (GRCh38, 1-based): chr8:96,333,457, G>T. VCF-style: chr8-96333457-G-T. GRCh37 (hg19) VCF-style: chr8-97345685-G-T.
Other names: c.875G>T, p.Gly292Val (NM_001290225.2); short protein forms G438V, G292V.
Identifiers: ClinVar variation 4782226 (VCV004782226.1).